The following is an entry in ClinVar:

NM_000717.5(CA4):c.*59G>A

Gene: CA4 (carbonic anhydrase 4; plus strand). Cytogenetic location: 17q23.1.
Variant type: single nucleotide variant.
Coding change: c.*59G>A on transcript NM_000717.5 (MANE Select); 59 bases downstream of the stop codon, G replaced by A.
Molecular consequence: 3 prime UTR variant. On other transcripts: non-coding transcript variant (1).
Genome position (GRCh38, 1-based): chr17:60,159,483, G>A. VCF-style: chr17-60159483-G-A. GRCh37 (hg19) VCF-style: chr17-58236844-G-A.
Other names: c.*59G>A (NM_000717.4).
Identifiers: ClinVar variation 445984 (VCV000445984.15), dbSNP rs530720914, ClinGen allele CA292207865.

ClinVar aggregate classification (germline): Conflicting classifications of pathogenicity. Review status: criteria provided, conflicting classifications (1 of 4 stars). 5 submissions from 5 submitters: Uncertain significance (2); Likely benign (2). 1 of the submissions does not count toward it. Last evaluated 2026-06-01.

Conditions:
CA4-related disorder. Also called: CA4-related condition.
Retinitis pigmentosa 17 (RP17). Identifiers: Orphanet 791, MedGen C1833245, MONDO:0010945, OMIM 600852.

Allele frequency attached by ClinVar (database versions not stated): 1000 Genomes Project 30x 0.00016; 1000 Genomes Project 0.00020; gnomAD 0.00192 and 0.00195; TOPMed 0.00210; gnomAD exomes 0.00326.
gnomAD v4.1: 4,871 of 1,563,098 alleles (0.31%); highest among the groups gnomAD compares: Non-Finnish European, 0.37%; 13 homozygotes.

Submissions (5):

CeGaT Center for Human Genetics Tuebingen
Classification: Likely benign. Last evaluated: 2026-06-01. Review status: criteria provided, single submitter. Criteria: CeGaT Center For Human Genetics Tuebingen Variant Classification Criteria Version 2. Collection method: clinical testing. Allele origin: germline. Affected: yes. Observed: 1 variant allele.
Comment: CA4: BS2

ARUP Laboratories, Molecular Genetics and Genomics, ARUP Laboratories
Classification: Uncertain significance for Retinitis pigmentosa 17. Last evaluated: 2019-02-22. Review status: criteria provided, single submitter. Criteria: ARUP Molecular Germline Variant Investigation Process. Collection method: clinical testing. Allele origin: germline.
Comment: The CA4 *59G>A variant (rs530720914) is reported in the medical literature in two families with autosomal dominant retinitis pigmentosa (Yang 2005). The variant is listed in the ClinVar database (Variation ID: 445984) and is found with an overall allele frequency of 0.2% (58/31392 alleles) in the Genome Aggregation Database. This is a variant in the 3' untranslated region in a weakly conserved nucleotide, but patient cells with this variant have a 30% reduction in CA4 RNA transcript compared to control individuals (Yang 2005). Due to limited information, the clinical significance of this variant is uncertain at this time. References: Yang Z et al. Mutant carbonic anhydrase 4 impairs pH regulation and causes retinal photoreceptor degeneration. Hum Mol Genet. 2005 Jan 15;14(2):255-65.

GeneDx
Classification: Likely benign. Last evaluated: 2018-06-08. Review status: criteria provided, single submitter. Criteria: GeneDx Variant Classification Process June 2021. Collection method: clinical testing. Allele origin: germline. Affected: yes.
Comment: See Variant Classification Assertion Criteria.

Center for Pediatric Genomic Medicine, Children's Mercy Hospital and Clinics
Classification: Uncertain significance. Last evaluated: 2017-05-24. Review status: criteria provided, single submitter. Criteria: ACMG Guidelines, 2015. Collection method: clinical testing. Allele origin: germline.

PreventionGenetics, part of Exact Sciences
Classification: Likely benign for CA4-related condition. Last evaluated: 2019-07-30. Review status: no assertion criteria provided. Collection method: clinical testing. Allele origin: germline. Not counted in ClinVar's aggregate classification.
Comment: This variant is classified as likely benign based on ACMG/AMP sequence variant interpretation guidelines (Richards et al. 2015 PMID: 25741868, with internal and published modifications).